The following is an entry in ClinVar:

ClinVar aggregate classification (germline): Uncertain significance (1 of 4 stars; one submission).

Submission:

GeneDx
Classification: Uncertain significance. Last evaluated: 2018-06-13. Review status: criteria provided, single submitter. Criteria: GeneDx Variant Classification (06012015). Collection method: clinical testing. Allele origin: germline. Affected: yes.
Comment: A variant of uncertain significance has been identified in the PPP1CB gene. The Y86C variant has not been published as a pathogenic variant, nor has it been reported as a benign variant to our knowledge. The Y86C variant is not observed in large population cohorts (Lek et al., 2016). The Y86C variant is a non-conservative amino acid substitution, which is likely to impact secondary protein structure as these residues differ in polarity, charge, size and/or other properties. In-silico analyses, including protein predictors and evolutionary conservation, support a deleterious effect. Based on the currently available information, it is unclear whether this variant is a pathogenic variant or a rare benign variant.

NM_002709.3(PPP1CB):c.257A>G (p.Tyr86Cys)

Gene: PPP1CB (protein phosphatase 1 catalytic subunit beta; plus strand). Cytogenetic location: 2p23.2.
Variant type: single nucleotide variant.
Coding change: c.257A>G on transcript NM_002709.3 (MANE Select); coding-DNA position 257, A replaced by G.
Protein change: p.Tyr86Cys; replaces tyrosine 86 with cysteine.
Molecular consequence: missense variant.
Genome position (GRCh38, 1-based): chr2:28,778,881, A>G. VCF-style: chr2-28778881-A-G. GRCh37 (hg19) VCF-style: chr2-29001747-A-G.
Other names: c.257A>G, p.Tyr86Cys (NM_206876.2); short protein forms Y86C.
Identifiers: ClinVar variation 561898 (VCV000561898.1), dbSNP rs1558305309, ClinGen allele CA346581489.